The following is an entry in ClinVar:

NM_031206.7(LAS1L):c.121A>G (p.Ile41Val)

Gene: LAS1L (LAS1 like ribosome biogenesis factor; minus strand). Cytogenetic location: Xq12.
Variant type: single nucleotide variant.
Coding change: c.121A>G on transcript NM_031206.7 (MANE Select); coding-DNA position 121, A replaced by G.
Protein change: p.Ile41Val; replaces isoleucine 41 with valine.
Molecular consequence: missense variant. On other transcripts: 5 prime UTR variant (1), non-coding transcript variant (1).
Genome position (GRCh38, 1-based): chrX:65,534,595, T>C on the plus strand (A>G on the coding strand, the complement: LAS1L is on the minus strand). VCF-style: chrX-65534595-T-C. GRCh37 (hg19) VCF-style: chrX-64754475-T-C.
Other names: c.121A>G, p.Ile41Val (NM_001170649.2, NM_001170650.2, NM_001375328.1 and 9 more transcripts); c.-676A>G (NM_001375332.1); short protein forms I41V.
Identifiers: ClinVar variation 3781118 (VCV003781118.2).

ClinVar aggregate classification (germline): Uncertain significance (1 of 4 stars; one submission).

gnomAD v4.1: 2 of 1,205,637 alleles (0.00017%); highest among the groups gnomAD compares: African/African-American, 0.0035%; no homozygotes.

Submission:

GeneDx
Classification: Uncertain significance. Last evaluated: 2025-04-23. Review status: criteria provided, single submitter. Criteria: GeneDx Variant Classification Process June 2021. Collection method: clinical testing. Allele origin: germline. Affected: yes.
Comment: Not observed at significant frequency in large population cohorts (gnomAD); In silico analysis indicates that this missense variant does not alter protein structure/function; Has not been previously published as pathogenic or benign to our knowledge